The following is an entry in ClinVar:

ClinVar aggregate classification (germline): Uncertain significance (1 of 4 stars; one submission).

Conditions:
Noonan syndrome 9 (NS9). Identifiers: Orphanet 648, MedGen C4225282, MONDO:0014691, OMIM 616559.

Submission:

Labcorp Genetics (formerly Invitae), Labcorp
Classification: Uncertain significance for Noonan syndrome 9. Last evaluated: 2026-01-14. Review status: criteria provided, single submitter. Criteria: Invitae Variant Classification Sherloc (09022015). Collection method: clinical testing. Allele origin: germline.
Comment: This sequence change replaces glycine, which is neutral and non-polar, with cysteine, which is neutral and slightly polar, at codon 1113 of the SOS2 protein (p.Gly1113Cys). This variant also falls at the last nucleotide of exon 20, which is part of the consensus splice site for this exon. This variant is not present in population databases (gnomAD no frequency). This variant has not been reported in the literature in individuals affected with SOS2-related conditions. Invitae Evidence Modeling of protein sequence and biophysical properties (such as structural, functional, and spatial information, amino acid conservation, physicochemical variation, residue mobility, and thermodynamic stability) indicates that this missense variant is not expected to disrupt SOS2 protein function with a negative predictive value of 95%. Variants that disrupt the consensus splice site are a relatively common cause of aberrant splicing (PMID: 17576681, 9536098). In summary, the available evidence is currently insufficient to determine the role of this variant in disease. Therefore, it has been classified as a Variant of Uncertain Significance.

Literature cited by the submitters: PubMed 17576681; PubMed 9536098.

NM_006939.4(SOS2):c.3337G>T (p.Gly1113Cys)

Gene: SOS2 (SOS Ras/Rho guanine nucleotide exchange factor 2; minus strand). Cytogenetic location: 14q21.3.
Variant type: single nucleotide variant.
Coding change: c.3337G>T on transcript NM_006939.4 (MANE Select); coding-DNA position 3337, G replaced by T.
Protein change: p.Gly1113Cys; replaces glycine 1113 with cysteine.
Molecular consequence: missense variant.
Genome position (GRCh38, 1-based): chr14:50,130,501, C>A on the plus strand (G>T on the coding strand, the complement: SOS2 is on the minus strand). VCF-style: chr14-50130501-C-A. GRCh37 (hg19) VCF-style: chr14-50597219-C-A.
Other names: c.3238G>T, p.Gly1080Cys (NM_001411020.1); short protein forms G1080C, G1113C.
Identifiers: ClinVar variation 4709540 (VCV004709540.1).
Genomic context (GRCh38, chr14:50,130,501, plus strand): 5'-TAAGAATTATCTGAGACACAGGATTCCTTTTTTACCAAGCGGTTTACATCAAATACTTAC[C>A]ACAGGAGCTGTTGAGATCCACATCTAAAAATACACTAAGGTCTGAAGAAGCAGATACTGG-3'
Protein context (NP_008870.2, residues 1103-1123): FLDVDLNSSC[Gly1113Cys]SNSIFAPVLL